The following is an entry in ClinVar:

NM_000288.4(PEX7):c.332dup (p.Gln112fs)

Gene: PEX7 (peroxisomal biogenesis factor 7; plus strand). Cytogenetic location: 6q23.3.
Variant type: Duplication.
Coding change: c.332dup on transcript NM_000288.4 (MANE Select); coding-DNA position 332, one base duplicated (C; older notation c.332dupC).
Protein change: p.Gln112fs; shifts the reading frame from glutamine 112.
Molecular consequence: frameshift variant.
Genome position (GRCh38, 1-based): chr6:136,826,462, C duplicated. VCF-style (leftmost placement, unchanged base first): chr6-136826461-G-GC. GRCh37 (hg19) VCF-style: chr6-137147599-G-GC.
Other names: c.218dup, p.Gln74fs (NM_001410945.1); short protein forms Q112fs, Q74fs.
Identifiers: ClinVar variation 5014744 (VCV005014744.1).
Genomic context (GRCh38, chr6:136,826,461, plus strand): 5'-TCGCTGCAGCTCTGGGACACTGCCAAAGCTGCAGGGCCACTGCAAGTCTATAAAGAACAC[G>GC]CTCAGGAGGTAGGAGGGAAATCTTTCTGGGCTGATTATTTTTCTTTCTTCGACTTTGGTT-3'

ClinVar aggregate classification (germline): Pathogenic (1 of 4 stars; one submission).

Conditions:
Peroxisome biogenesis disorder. Identifiers: Orphanet 79189, MedGen C1832200, MONDO:0019234. Disease mechanism: loss of function.

Submission:

Myriad Genetics, Inc.
Classification: Pathogenic for Peroxisome biogenesis disorder. Last evaluated: 2025-07-19. Review status: criteria provided, single submitter. Criteria: Myriad Autosomal Dominant, Autosomal Recessive and X-Linked Classification Criteria (2023). Collection method: clinical testing. Allele origin: unknown.
Comment: NM_000288.3(PEX7):c.332dupC(Q112Sfs*5) is expected to be pathogenic in the context of PEX7-related disorders. This variant is predicted to lead to an abnormal or absent protein product due to the creation of a premature termination codon in PEX7, a gene where loss-of-function variants are known to be pathogenic. Please note: this variant was assessed in the context of healthy population screening.